The following is an entry in ClinVar:

ClinVar aggregate classification (germline): Uncertain significance (1 of 4 stars; one submission).

Conditions:
Inborn genetic diseases. Identifiers: MedGen C0950123, MeSH D030342.

gnomAD v4.1: 1 of 1,600,968 alleles (0.000062%); highest among the groups gnomAD compares: Non-Finnish European, 0.000085%; no homozygotes.

Submission:

Ambry Genetics
Classification: Uncertain significance for Inborn genetic diseases. Last evaluated: 2025-08-10. Review status: criteria provided, single submitter. Criteria: Ambry Variant Classification Scheme 2023. Collection method: clinical testing. Allele origin: germline.
Comment: The p.G1261R variant (also known as c.3781G>A), located in coding exon 14 of the FANCM gene, results from a G to A substitution at nucleotide position 3781. The glycine at codon 1261 is replaced by arginine, an amino acid with dissimilar properties. This amino acid position is conserved. In addition, this alteration is predicted to be tolerated by in silico analysis. Based on the available evidence, the clinical significance of this variant remains unclear.

NM_020937.4(FANCM):c.3781G>A (p.Gly1261Arg)

Gene: FANCM (FA complementation group M; plus strand). Cytogenetic location: 14q21.2.
Variant type: single nucleotide variant.
Coding change: c.3781G>A on transcript NM_020937.4 (MANE Select); coding-DNA position 3781, G replaced by A.
Protein change: p.Gly1261Arg; replaces glycine 1261 with arginine.
Molecular consequence: missense variant.
Genome position (GRCh38, 1-based): chr14:45,176,535, G>A. VCF-style: chr14-45176535-G-A. GRCh37 (hg19) VCF-style: chr14-45645738-G-A.
Other names: c.3703G>A, p.Gly1235Arg (NM_001308133.2); short protein forms G1235R, G1261R.
Identifiers: ClinVar variation 4254664 (VCV004254664.1).